The following is an entry in ClinVar:

ClinVar aggregate classification (germline): Uncertain significance (1 of 4 stars; one submission).

Conditions:
Deficiency of isobutyryl-CoA dehydrogenase. Also called: ACYL-CoA DEHYDROGENASE FAMILY, MEMBER 8, DEFICIENCY OF; IBD DEFICIENCY; ACAD8 DEFICIENCY. Identifiers: Orphanet 79159, MedGen C1969809, MONDO:0012648, OMIM 611283.

Submission:

Labcorp Genetics (formerly Invitae), Labcorp
Classification: Uncertain significance for Deficiency of isobutyryl-CoA dehydrogenase. Last evaluated: 2022-06-21. Review status: criteria provided, single submitter. Criteria: Invitae Variant Classification Sherloc (09022015). Collection method: clinical testing. Allele origin: germline.
Comment: In summary, the available evidence is currently insufficient to determine the role of this variant in disease. Therefore, it has been classified as a Variant of Uncertain Significance. This sequence change replaces isoleucine, which is neutral and non-polar, with serine, which is neutral and polar, at codon 35 of the ACAD8 protein (p.Ile35Ser). This variant is not present in population databases (gnomAD no frequency). This variant has not been reported in the literature in individuals affected with ACAD8-related conditions. Advanced modeling of protein sequence and biophysical properties (such as structural, functional, and spatial information, amino acid conservation, physicochemical variation, residue mobility, and thermodynamic stability) performed at Invitae indicates that this missense variant is not expected to disrupt ACAD8 protein function.

NM_014384.3(ACAD8):c.104T>G (p.Ile35Ser)

Gene: ACAD8 (acyl-CoA dehydrogenase family member 8; plus strand). Cytogenetic location: 11q25.
Variant type: single nucleotide variant.
Coding change: c.104T>G on transcript NM_014384.3 (MANE Select); coding-DNA position 104, T replaced by G.
Protein change: p.Ile35Ser; replaces isoleucine 35 with serine.
Molecular consequence: missense variant.
Genome position (GRCh38, 1-based): chr11:134,253,704, T>G. VCF-style: chr11-134253704-T-G. GRCh37 (hg19) VCF-style: chr11-134123598-T-G.
Other names: short protein forms I35S.
Identifiers: ClinVar variation 1934369 (VCV001934369.5), dbSNP rs2497142663, ClinGen allele CA383512058.